The following is an entry in ClinVar:

NM_001368397.1(FRMPD4):c.3296G>C (p.Gly1099Ala)

Gene: FRMPD4 (FERM and PDZ domain containing 4; plus strand). Cytogenetic location: Xp22.2.
Variant type: single nucleotide variant.
Coding change: c.3296G>C on transcript NM_001368397.1 (MANE Select); coding-DNA position 3296, G replaced by C.
Protein change: p.Gly1099Ala; replaces glycine 1099 with alanine.
Molecular consequence: missense variant.
Genome position (GRCh38, 1-based): chrX:12,718,122, G>C. VCF-style: chrX-12718122-G-C. GRCh37 (hg19) VCF-style: chrX-12736241-G-C.
Other names: c.3296G>C, p.Gly1099Ala (NM_014728.3); c.3407G>C, p.Gly1136Ala (NM_001368395.3, NM_001368398.3); c.3302G>C, p.Gly1101Ala (NM_001368396.3); c.3287G>C, p.Gly1096Ala (NM_001368399.3); c.3176G>C, p.Gly1059Ala (NM_001368400.3); c.3272G>C, p.Gly1091Ala (NM_001368401.1, NM_001368402.3); short protein forms G1091A, G1101A, G1059A, G1096A, G1099A, G1136A.
Identifiers: ClinVar variation 4087841 (VCV004087841.1).

ClinVar aggregate classification (germline): Uncertain significance (1 of 4 stars; one submission).

gnomAD v4.1: 2 of 1,210,078 alleles (0.00017%); highest among the groups gnomAD compares: Non-Finnish European, 0.00022%; no homozygotes.

Submission:

GeneDx
Classification: Uncertain significance. Last evaluated: 2025-03-24. Review status: criteria provided, single submitter. Criteria: GeneDx Variant Classification Process June 2021. Collection method: clinical testing. Allele origin: germline. Affected: yes.
Comment: Not observed at significant frequency in large population cohorts (gnomAD); In silico analysis indicates that this missense variant does not alter protein structure/function; Has not been previously published as pathogenic or benign to our knowledge